The following is an entry in ClinVar:

NM_000045.4(ARG1):c.131-7_131-2del

Genes: ARG1 (arginase 1; plus strand), MED23 (mediator complex subunit 23; minus strand). Cytogenetic location: 6q23.2.
Variant type: Deletion.
Coding change: c.131-7_131-2del on transcript NM_000045.4 (MANE Select); 7 bases into the intron before coding-DNA position 131 through the canonical splice acceptor site of the intron before coding-DNA position 131, 6 bases deleted (ATTTTA; older notation c.131-7_131-2delATTTTA).
Molecular consequence: splice acceptor variant. On other transcripts: inframe deletion (1), intron variant (2).
Genome position (GRCh38, 1-based): chr6:131,579,104-131,579,109, ATTTTA deleted; deleting any 6 consecutive bases within chr6:131,579,099-131,579,109 gives the same sequence; the c. name uses the placement nearest the transcript's 3' end. VCF-style (leftmost placement, unchanged base first): chr6-131579098-TTTTTAA-T. GRCh37 (hg19) VCF-style: chr6-131900238-TTTTTAA-T.
Other names: c.148_153del, p.Ile50_Leu51del (NM_001244438.2); c.131-7_131-2del (NM_001369020.1); c.4078-4809_4078-4804del (NM_001270521.2); c.4096-4809_4096-4804del (NM_015979.4); c.131-7_131-2del6 (NM_000045.3).
Identifiers: ClinVar variation 552641 (VCV000552641.7), dbSNP rs768972828, ClinGen allele CA3999184.

ClinVar aggregate classification (germline): Uncertain significance. Review status: criteria provided, multiple submitters, no conflicts (2 of 4 stars). 3 submissions from 3 submitters: Uncertain significance (2). 1 of the submissions does not count toward it. Last evaluated 2025-09-02.

Conditions:
Arginase deficiency. Also called: ARGININEMIA; ARG1 DEFICIENCY; Arginase 1 Deficiency. Identifiers: Orphanet 90, MedGen C0268548, MONDO:0008814, OMIM 207800.

Submissions (3):

GeneDx
Classification: Uncertain significance. Last evaluated: 2025-09-02. Review status: criteria provided, single submitter. Criteria: GeneDx Variant Classification Process June 2021. Collection method: clinical testing. Allele origin: germline. Affected: yes.
Comment: Not observed at significant frequency in large population cohorts (gnomAD); In silico analysis supports a deleterious effect on splicing; Has not been previously published as pathogenic or benign to our knowledge; This variant is associated with the following publications: (PMID: 39669610)

Labcorp Genetics (formerly Invitae), Labcorp
Classification: Uncertain significance for Arginase deficiency. Last evaluated: 2021-08-31. Review status: criteria provided, single submitter. Criteria: Invitae Variant Classification Sherloc (09022015). Collection method: clinical testing. Allele origin: germline.
Comment: This sequence change falls in intron 2 of the ARG1 gene. It does not directly change the encoded amino acid sequence of the ARG1 protein. The frequency data for this variant in the population databases is considered unreliable, as metrics indicate poor data quality at this position in the ExAC database. This variant has not been reported in the literature in individuals affected with ARG1-related conditions. ClinVar contains an entry for this variant (Variation ID: 552641). Algorithms developed to predict the effect of sequence changes on RNA splicing suggest that this variant may disrupt the consensus splice site. In summary, the available evidence is currently insufficient to determine the role of this variant in disease. Therefore, it has been classified as a Variant of Uncertain Significance.

Counsyl
Classification: Uncertain significance for Arginase deficiency. Last evaluated: 2017-06-27. Review status: no assertion criteria provided. Collection method: clinical testing. Allele origin: unknown. Not counted in ClinVar's aggregate classification.